The following is an entry in ClinVar:

ClinVar aggregate classification (germline): Uncertain significance (1 of 4 stars; one submission).

Conditions:
Hereditary spastic paraplegia 11. Also called: Nakamura Osame syndrome; Autosomal recessive hereditary spastic paraplegia, mental impairment, and thin corpus callosum; SPASTIC PARAPLEGIA, AUTOSOMAL RECESSIVE, COMPLICATED, WITH THIN CORPUS CALLOSUM; SPASTIC PARAPLEGIA, AUTOSOMAL RECESSIVE, WITH MENTAL IMPAIRMENT AND THIN CORPUS CALLOSUM; Spastic Paraplegia 11; Spastic paraplegia, mental retardation and thin corpus callosum. Identifiers: Orphanet 2822, MedGen C1858479, MONDO:0011445, OMIM 604360.

Submission:

Labcorp Genetics (formerly Invitae), Labcorp
Classification: Uncertain significance for Hereditary spastic paraplegia 11. Last evaluated: 2025-01-20. Review status: criteria provided, single submitter. Criteria: Invitae Variant Classification Sherloc (09022015). Collection method: clinical testing. Allele origin: germline.
Comment: This sequence change replaces serine, which is neutral and polar, with glycine, which is neutral and non-polar, at codon 1961 of the SPG11 protein (p.Ser1961Gly). This variant is not present in population databases (gnomAD no frequency). This variant has not been reported in the literature in individuals affected with SPG11-related conditions. ClinVar contains an entry for this variant (Variation ID: 2014937). Invitae Evidence Modeling of protein sequence and biophysical properties (such as structural, functional, and spatial information, amino acid conservation, physicochemical variation, residue mobility, and thermodynamic stability) indicates that this missense variant is not expected to disrupt SPG11 protein function with a negative predictive value of 80%. In summary, the available evidence is currently insufficient to determine the role of this variant in disease. Therefore, it has been classified as a Variant of Uncertain Significance.

NM_025137.4(SPG11):c.5881A>G (p.Ser1961Gly)

Gene: SPG11 (SPG11 vesicle trafficking associated, spatacsin; minus strand). Cytogenetic location: 15q21.1.
Variant type: single nucleotide variant.
Coding change: c.5881A>G on transcript NM_025137.4 (MANE Select); coding-DNA position 5881, A replaced by G.
Protein change: p.Ser1961Gly; replaces serine 1961 with glycine.
Molecular consequence: missense variant. On other transcripts: intron variant (1).
Genome position (GRCh38, 1-based): chr15:44,575,027, T>C on the plus strand (A>G on the coding strand, the complement: SPG11 is on the minus strand). VCF-style: chr15-44575027-T-C. GRCh37 (hg19) VCF-style: chr15-44867225-T-C.
Other names: c.5737A>G, p.Ser1913Gly (NM_001411132.1); c.5867-2207A>G (NM_001160227.2); short protein forms S1961G, S1913G.
Identifiers: ClinVar variation 2014937 (VCV002014937.4), dbSNP rs2505239361, ClinGen allele CA392219181.